The following is an entry in ClinVar:

ClinVar aggregate classification (germline): Uncertain significance. Review status: criteria provided, multiple submitters, no conflicts (2 of 4 stars). 2 submissions from 2 submitters: Uncertain significance (2). Last evaluated 2024-03-28.

Conditions:
Atrioventricular septal defect 4 (AVSD4). Identifiers: MedGen C3280781, MONDO:0013747, OMIM 614430.

Allele frequency attached by ClinVar (database versions not stated): gnomAD exomes 0.00001.
gnomAD v4.1: 8 of 1,533,158 alleles (0.00052%); highest among the groups gnomAD compares: Non-Finnish European, 0.0007%; no homozygotes.

Submissions (2):

Labcorp Genetics (formerly Invitae), Labcorp
Classification: Uncertain significance for Atrioventricular septal defect 4. Last evaluated: 2024-03-28. Review status: criteria provided, single submitter. Criteria: Invitae Variant Classification Sherloc (09022015). Collection method: clinical testing. Allele origin: germline.
Comment: This sequence change replaces proline, which is neutral and non-polar, with leucine, which is neutral and non-polar, at codon 45 of the GATA4 protein (p.Pro45Leu). This variant is not present in population databases (gnomAD no frequency). This variant has not been reported in the literature in individuals affected with GATA4-related conditions. ClinVar contains an entry for this variant (Variation ID: 1313349). An algorithm developed to predict the effect of missense changes on protein structure and function (PolyPhen-2) suggests that this variant is likely to be tolerated. In summary, the available evidence is currently insufficient to determine the role of this variant in disease. Therefore, it has been classified as a Variant of Uncertain Significance.

GeneDx
Classification: Uncertain significance. Last evaluated: 2022-10-25. Review status: criteria provided, single submitter. Criteria: GeneDx Variant Classification Process June 2021. Collection method: clinical testing. Allele origin: germline. Affected: yes.
Comment: Not observed in large population cohorts (gnomAD); In silico analysis supports that this missense variant has a deleterious effect on protein structure/function; Has not been previously published as pathogenic or benign to our knowledge

NM_001308093.3(GATA4):c.134C>T (p.Pro45Leu)

Gene: GATA4 (GATA binding protein 4). Cytogenetic location: 8p23.1.
Variant type: single nucleotide variant.
Coding change: c.134C>T on transcript NM_001308093.3 (MANE Select); coding-DNA position 134, C replaced by T.
Protein change: p.Pro45Leu; replaces proline 45 with leucine.
Molecular consequence: missense variant. On other transcripts: intron variant (3).
Genome position (GRCh38, 1-based): chr8:11,708,446, C>T. VCF-style: chr8-11708446-C-T. GRCh37 (hg19) VCF-style: chr8-11565955-C-T.
Other names: c.134C>T, p.Pro45Leu (NM_002052.5); c.-6+7668C>T (NM_001308094.2); c.-3+432C>T (NM_001374274.1); c.-3+4142C>T (NM_001374273.1); short protein forms P45L.
Identifiers: ClinVar variation 1313349 (VCV001313349.5), dbSNP rs2130067843, ClinGen allele CA370308961.
Genomic context (GRCh38, chr8:11,708,446, plus strand): 5'-CCTTCATGCACGGCGCGGGCGCCGCGTCCTCGCCAGTCTACGTGCCCACACCGCGGGTGC[C>T]CTCCTCCGTGCTGGGCCTGTCCTACCTCCAGGGCGGAGGCGCGGGCTCTGCGTCCGGAGG-3'
Protein context (NP_001295022.1, residues 35-55): SPVYVPTPRV[Pro45Leu]SSVLGLSYLQ